The following is an entry in ClinVar:

NM_006767.4(LZTR1):c.542_543del (p.Thr181fs)

Gene: LZTR1 (leucine zipper like post translational regulator 1; plus strand). Cytogenetic location: 22q11.21.
Variant type: Deletion.
Coding change: c.542_543del on transcript NM_006767.4 (MANE Select); coding-DNA positions 542 to 543, 2 bases deleted (CG; older notation c.542_543delCG).
Protein change: p.Thr181fs; shifts the reading frame from threonine 181.
Molecular consequence: frameshift variant.
Genome position (GRCh38, 1-based): chr22:20,988,821-20,988,822, CG deleted. VCF-style (leftmost placement, unchanged base first): chr22-20988820-ACG-A. GRCh37 (hg19) VCF-style: chr22-21343109-ACG-A.
Other names: c.542_543delCG (NM_006767.3); short protein forms T181fs.
Identifiers: ClinVar variation 2909792 (VCV002909792.4), dbSNP rs773745319, ClinGen allele CA10118484.
Genomic context (GRCh38, chr22:20,988,820, plus strand): 5'-ACTCCCTCCCCTCTTCCCTCACACTCCAGGTTGCCAGTCGCTAGGTCAGCCCATGGGGCC[ACG>A]GTGTACAGTGACAAGCTGTGGATCTTTGCTGGCTATGACGGCAACGCCAGGTGGGTGGTG-3'

ClinVar aggregate classification (germline): Pathogenic. Review status: criteria provided, multiple submitters, no conflicts (2 of 4 stars). 2 submissions from 2 submitters: Pathogenic (2). Last evaluated 2025-05-30.

Conditions:
Hereditary cancer-predisposing syndrome. Also called: Hereditary Cancer Syndrome; Tumor predisposition; Hereditary neoplastic syndrome; Neoplastic Syndromes, Hereditary. Identifiers: Orphanet 140162, MedGen C0027672, MeSH D009386, MONDO:0015356.
Cardiovascular phenotype. Identifiers: MedGen CN230736.

Allele frequency attached by ClinVar (database versions not stated): ExAC 0.00001; TOPMed 0.00001.

Submissions (2):

Labcorp Genetics (formerly Invitae), Labcorp
Classification: Pathogenic. Last evaluated: 2025-05-30. Review status: criteria provided, single submitter. Criteria: Invitae Variant Classification Sherloc (09022015). Collection method: clinical testing. Allele origin: germline.
Comment: This sequence change creates a premature translational stop signal (p.Thr181Serfs*4) in the LZTR1 gene. It is expected to result in an absent or disrupted protein product. Loss-of-function variants in LZTR1 are known to be pathogenic (PMID: 24362817, 25335493, 25480913, 25795793, 29469822, 30368668, 30442762, 30442766, 30481304, 30859559). This variant is present in population databases (rs773745319, gnomAD 0.003%). This variant has not been reported in the literature in individuals affected with LZTR1-related conditions. ClinVar contains an entry for this variant (Variation ID: 2909792). For these reasons, this variant has been classified as Pathogenic.

Ambry Genetics
Classification: Pathogenic for Cardiovascular phenotype; Hereditary cancer-predisposing syndrome. Last evaluated: 2024-09-11. Review status: criteria provided, single submitter. Criteria: Ambry Variant Classification Scheme 2023. Collection method: clinical testing. Allele origin: germline.
Comment: The c.542_543delCG pathogenic mutation, located in coding exon 6 of the LZTR1 gene, results from a deletion of two nucleotides at nucleotide positions 542 to 543, causing a translational frameshift with a predicted alternate stop codon (p.T181Sfs*4). This alteration is expected to result in loss of function by premature protein truncation or nonsense-mediated mRNA decay. Loss-of-function variants in LZTR1 are related to an increased risk for schwannomas and autosomal recessive Noonan syndrome; however, such associations with autosomal dominant Noonan syndrome have not been observed (Piotrowski A et al. Nat Genet. 2014 Feb;46:182-7; Yamamoto GL et al. J Med Genet. 2015 Jun;52:413-21; Johnston JJ et al. Genet Med. 2018 10;20:1175-1185). Based on the supporting evidence, this variant is pathogenic for an increased risk of LZTR1-related schwannomatosis (SWN) and would be expected to cause autosomal recessive Noonan syndrome when present along with a second pathogenic or likely pathogenic variant on the other allele; however, the association of this alteration with autosomal dominant Noonan syndrome is unlikely.

Literature cited by the submitters: PubMed 24362817 (cited by Labcorp Genetics (formerly Invitae), Labcorp); PubMed 25335493 (cited by Labcorp Genetics (formerly Invitae), Labcorp); PubMed 25480913 (cited by Labcorp Genetics (formerly Invitae), Labcorp); PubMed 25795793 (cited by Labcorp Genetics (formerly Invitae), Labcorp); PubMed 29469822 (cited by Labcorp Genetics (formerly Invitae), Labcorp); PubMed 30368668 (cited by Labcorp Genetics (formerly Invitae), Labcorp); PubMed 30442762 (cited by Labcorp Genetics (formerly Invitae), Labcorp); PubMed 30442766 (cited by Labcorp Genetics (formerly Invitae), Labcorp); PubMed 30481304 (cited by Labcorp Genetics (formerly Invitae), Labcorp); PubMed 30859559 (cited by Labcorp Genetics (formerly Invitae), Labcorp).